The following is an entry in ClinVar:

NM_005592.4(MUSK):c.1763G>A (p.Arg588Lys)

Gene: MUSK (muscle associated receptor tyrosine kinase; plus strand). Cytogenetic location: 9q31.3.
Variant type: single nucleotide variant.
Coding change: c.1763G>A on transcript NM_005592.4 (MANE Select); coding-DNA position 1763, G replaced by A.
Protein change: p.Arg588Lys; replaces arginine 588 with lysine.
Molecular consequence: missense variant.
Genome position (GRCh38, 1-based): chr9:110,785,703, G>A. VCF-style: chr9-110785703-G-A. GRCh37 (hg19) VCF-style: chr9-113547983-G-A.
Other names: c.1505G>A, p.Arg502Lys (NM_001166280.2); c.1475G>A, p.Arg492Lys (NM_001166281.2); c.503G>A, p.Arg168Lys (NM_001369398.1); short protein forms R168K, R492K, R502K, R588K.
Identifiers: ClinVar variation 2684266 (VCV002684266.2), dbSNP rs746563484, ClinGen allele CA5184446.
Genomic context (GRCh38, chr9:110,785,703, plus strand): 5'-TGGAGTATCCAAGGAATAACATTGAATATGTGAGAGACATCGGAGAGGGAGCGTTTGGAA[G>A]GGTGTTTCAAGCAAGGTAAAGTTACCTATGGAAAAAAAAACTCCATTGAAATATGTTATG-3'
Protein context (NP_005583.1, residues 578-598): VRDIGEGAFG[Arg588Lys]VFQARAPGLL

ClinVar aggregate classification (germline): Uncertain significance. Review status: criteria provided, multiple submitters, no conflicts (2 of 4 stars). 2 submissions from 2 submitters: Uncertain significance (2). Last evaluated 2025-01-22.

Conditions:
Inborn genetic diseases. Identifiers: MedGen C0950123, MeSH D030342.

Allele frequency attached by ClinVar (database versions not stated): TOPMed below 0.00001; ExAC 0.00002.
gnomAD v4.1: 3 of 1,602,818 alleles (0.00019%); highest among the groups gnomAD compares: Non-Finnish European, 0.00017%; no homozygotes.

Submissions (2):

Ambry Genetics
Classification: Uncertain significance for Inborn genetic diseases. Last evaluated: 2025-01-22. Review status: criteria provided, single submitter. Criteria: Ambry Variant Classification Scheme 2023. Collection method: clinical testing. Allele origin: germline.

Athena Diagnostics
Classification: Uncertain significance. Last evaluated: 2023-03-31. Review status: criteria provided, single submitter. Criteria: Athena Diagnostics Criteria. Collection method: clinical testing. Allele origin: unknown.
Comment: Available data are insufficient to determine the clinical significance of the variant at this time. The frequency of this variant in the general population is uninformative in assessment of its pathogenicity. Computational tools predict that this variant is damaging.